The following is an entry in ClinVar:

NM_001267550.2(TTN):c.41406C>T (p.Cys13802=)

Gene: TTN (titin; minus strand). Cytogenetic location: 2q31.2.
Variant type: single nucleotide variant.
Coding change: c.41406C>T on transcript NM_001267550.2 (MANE Select); coding-DNA position 41406, C replaced by T.
Protein change: p.Cys13802=; no amino-acid change (cysteine 13802 retained).
Molecular consequence: synonymous variant.
Genome position (GRCh38, 1-based): chr2:178,636,165, G>A on the plus strand (C>T on the coding strand, the complement: TTN is on the minus strand). VCF-style: chr2-178636165-G-A. GRCh37 (hg19) VCF-style: chr2-179500892-G-A.
Other names: c.36483C>T, p.Cys12161= (NM_001256850.1); c.14211C>T, p.Cys4737= (NM_003319.4); c.33702C>T, p.Cys11234= (NM_133378.4); c.14586C>T, p.Cys4862= (NM_133432.3); c.14787C>T, p.Cys4929= (NM_133437.4).
Identifiers: ClinVar variation 284797 (VCV000284797.15), dbSNP rs749356221, ClinGen allele CA1996272.
Genomic context (GRCh38, chr2:178,636,165, plus strand): 5'-TTTCTCCACCACAATCTTGCCATCCTTCCTCCAGACCACGTCACGCTCTTTGTTTAACTC[G>A]CAGCTCAAGTACAATGGCTGTCCTTTGACCACTGTGACTTCCTCTTCCAGTGTTTTTACA-3'
Protein context (NP_001254479.2, residues 13792-13812): VVKGQPLYLS[Cys13802=]ELNKERDVVW

ClinVar aggregate classification (germline): Conflicting classifications of pathogenicity. Review status: criteria provided, conflicting classifications (1 of 4 stars). 7 submissions from 7 submitters: Uncertain significance (3); Likely benign (3). 1 of the submissions does not count toward it. Last evaluated 2025-08-19.

Conditions:
Cardiovascular phenotype. Identifiers: MedGen CN230736.
TTN-related disorder. Also called: TTN-related condition; TTN-related disease; TTN-related disorders.
Dilated cardiomyopathy 1G (CMD1G). Identifiers: Orphanet 154, MedGen C1858763, MONDO:0011400, OMIM 604145.
Autosomal recessive limb-girdle muscular dystrophy type 2J (LGMDR10). Also called: Limb-girdle muscular dystrophy, type 2J; MUSCULAR DYSTROPHY, LIMB-GIRDLE, AUTOSOMAL RECESSIVE 10. Identifiers: Orphanet 140922, MedGen C1837342, MONDO:0012127, OMIM 608807.

Allele frequency attached by ClinVar (database versions not stated): gnomAD exomes 0.00001 and 0.00003; TOPMed 0.00002; gnomAD 0.00003; ExAC 0.00005.
gnomAD v4.1: 12 of 1,612,406 alleles (0.00074%); highest among the groups gnomAD compares: Admixed American, 0.0083%; no homozygotes.

Submissions (7):

PreventionGenetics, part of Exact Sciences
Classification: Likely benign for TTN-related condition. Last evaluated: 2025-08-19. Review status: criteria provided, single submitter. Criteria: ACMG Guidelines, 2015. Collection method: clinical testing. Allele origin: germline.
Comment: This variant is classified as likely benign based on ACMG/AMP sequence variant interpretation guidelines (Richards et al. 2015 PMID: 25741868, with internal and published modifications).

Blueprint Genetics
Classification: Uncertain significance. Last evaluated: 2024-03-15. Review status: criteria provided, single submitter. Criteria: ACMG Guidelines, 2015. Collection method: clinical testing. Allele origin: germline.

Ambry Genetics
Classification: Likely benign for Cardiovascular phenotype. Last evaluated: 2023-02-13. Review status: criteria provided, single submitter. Criteria: Ambry Variant Classification Scheme 2023. Collection method: clinical testing. Allele origin: germline.

GeneDx
Classification: Likely benign. Last evaluated: 2020-08-26. Review status: criteria provided, single submitter. Criteria: GeneDx Variant Classification Process June 2021. Collection method: clinical testing. Allele origin: germline. Affected: yes.

Labcorp Genetics (formerly Invitae), Labcorp
Classification: Uncertain significance for Dilated cardiomyopathy 1G; Autosomal recessive limb-girdle muscular dystrophy type 2J. Last evaluated: 2017-03-22. Review status: criteria provided, single submitter. Criteria: Invitae Variant Classification Sherloc (09022015). Collection method: clinical testing. Allele origin: germline.

Eurofins Ntd Llc (ga)
Classification: Uncertain significance. Last evaluated: 2015-11-21. Review status: criteria provided, single submitter. Criteria: EGL Classification Definitions 2015. Collection method: clinical testing. Allele origin: germline. Observed: 1 variant allele, 1 heterozygote.

Department of Pathology and Laboratory Medicine, Sinai Health System
Classification: Uncertain significance. Review status: no assertion criteria provided. Collection method: clinical testing. Allele origin: unknown. Affected: yes. Study: The Canadian Open Genetics Repository (COGR). Not counted in ClinVar's aggregate classification.
Comment: The TTN p.Cys13802Cys variant was not identified in the literature nor was it identified in Cosmic and LOVD 3.0. The variant was identified in dbSNP (ID: rs749356221) and in ClinVar (classified as uncertain significance by EGL Genetic Diagnostics and Invitae with associated conditions of Dilated cardiomyopathy 1G and Limb-girdle muscular dystrophy, type 2J). The variant was identified in control databases in 9 of 278696 chromosomes at a frequency of 0.000032 (Genome Aggregation Database Feb 27, 2017). The variant was observed in the following populations: Latino in 6 of 35236 chromosomes (freq: 0.00017), African in 2 of 24132 chromosomes (freq: 0.000083) and European (Finnish) in 1 of 24900 chromosomes (freq: 0.00004), while the variant was not observed in the Ashkenazi Jewish, East Asian, European (non-Finnish), Other or South Asian populations. The p.Cys13802Cys variant is not expected to have clinical significance because it does not result in a change of amino acid and is not located in a known consensus splice site. The variant occurs outside of the splicing consensus sequence and 3 of 4 in silico or computational prediction software programs (SpliceSiteFinder, MaxEntScan, and NNSPLICE) predict a greater than 10% difference in splicing (creation of a 5â€šÃ„Ã´ splice site at c.41404). However, this information is not predictive enough to assume pathogenicity. In summary, based on the above information the clinical significance of this variant cannot be determined with certainty at this time. This variant is classified as a variant of uncertain significance.